The following is an entry in ClinVar:

NM_020297.4(ABCC9):c.3594G>A (p.Met1198Ile)

Genes: ABCC9 (ATP binding cassette subfamily C member 9; minus strand), KCNJ8-AS1 (KCNJ8 antisense RNA 1; plus strand). Cytogenetic location: 12p12.1.
Variant type: single nucleotide variant.
Coding change: c.3594G>A on transcript NM_020297.4 (MANE Select); coding-DNA position 3594, G replaced by A.
Protein change: p.Met1198Ile; replaces methionine 1198 with isoleucine.
Molecular consequence: missense variant.
Genome position (GRCh38, 1-based): chr12:21,829,033, C>T on the plus strand (G>A on the coding strand, the complement: ABCC9 is on the minus strand). VCF-style: chr12-21829033-C-T. GRCh37 (hg19) VCF-style: chr12-21981967-C-T.
Other names: c.3594G>A, p.Met1198Ile (NM_001377273.1, NM_005691.4); c.2727G>A, p.Met909Ile (NM_001377274.1); short protein forms M1198I, M909I.
Identifiers: ClinVar variation 191584 (VCV000191584.39), dbSNP rs199900459, ClinGen allele CA236978.

ClinVar aggregate classification (germline): Conflicting classifications of pathogenicity. Review status: criteria provided, conflicting classifications (1 of 4 stars). 8 submissions from 8 submitters: Uncertain significance (7); Likely benign (1). Last evaluated 2026-01-15.

Conditions:
Hypertrichotic osteochondrodysplasia Cantu type. Also called: Cantú Syndrome; Cantu Syndrome. Identifiers: Orphanet 1517, MedGen C0795905, MONDO:0009406, OMIM 239850.
Dilated cardiomyopathy 1O (CMD1O). Also called: CARDIOMYOPATHY, DILATED, WITH VENTRICULAR TACHYCARDIA. Identifiers: Orphanet 154, MedGen C1837839, MONDO:0012062, OMIM 608569.
Atrial fibrillation, familial, 12 (ATFB12). Identifiers: MedGen C3279695, MONDO:0013545, OMIM 614050.
Intellectual disability and myopathy syndrome (IDMYS). Identifiers: MedGen C5676904, MONDO:0859224, OMIM 619719.
Cardiovascular phenotype. Identifiers: MedGen CN230736.
Cardiomyopathy (CMYO). Also called: Cardiomyopathies. Identifiers: Orphanet 167848, MedGen C0878544, MONDO:0004994, HP:0001638. Inheritance: Various modes of inheritance.

Allele frequency attached by ClinVar (database versions not stated): gnomAD 0.00003; TOPMed 0.00005; gnomAD exomes 0.00007 and 0.00008; ExAC 0.00011.

Submissions (8):

Labcorp Genetics (formerly Invitae), Labcorp
Classification: Uncertain significance for Dilated cardiomyopathy 1O. Last evaluated: 2026-01-15. Review status: criteria provided, single submitter. Criteria: Invitae Variant Classification Sherloc (09022015). Collection method: clinical testing. Allele origin: germline.
Comment: This sequence change replaces methionine, which is neutral and non-polar, with isoleucine, which is neutral and non-polar, at codon 1198 of the ABCC9 protein (p.Met1198Ile). This variant is present in population databases (rs199900459, gnomAD 0.01%). This missense change has been observed in individual(s) with left ventricular non-compaction and Rubinstein-Taybi syndrome (PMID: 25979592). ClinVar contains an entry for this variant (Variation ID: 191584). Invitae Evidence Modeling of protein sequence and biophysical properties (such as structural, functional, and spatial information, amino acid conservation, physicochemical variation, residue mobility, and thermodynamic stability) indicates that this missense variant is not expected to disrupt ABCC9 protein function with a negative predictive value of 95%. In summary, the available evidence is currently insufficient to determine the role of this variant in disease. Therefore, it has been classified as a Variant of Uncertain Significance.

Ambry Genetics
Classification: Likely benign for Cardiovascular phenotype. Last evaluated: 2024-10-09. Review status: criteria provided, single submitter. Criteria: Ambry Variant Classification Scheme 2023. Collection method: clinical testing. Allele origin: germline.

Blueprint Genetics
Classification: Uncertain significance. Last evaluated: 2024-05-06. Review status: criteria provided, single submitter. Criteria: ACMG Guidelines, 2015. Collection method: clinical testing. Allele origin: germline.

CeGaT Center for Human Genetics Tuebingen
Classification: Uncertain significance. Last evaluated: 2022-07-01. Review status: criteria provided, single submitter. Criteria: CeGaT Center For Human Genetics Tuebingen Variant Classification Criteria Version 2. Collection method: clinical testing. Allele origin: germline. Affected: yes. Observed: 1 variant allele.
Comment: ABCC9: PP2

Fulgent Genetics
Classification: Uncertain significance for Hypertrichotic osteochondrodysplasia Cantu type; Dilated cardiomyopathy 1O; Atrial fibrillation, familial, 12; Intellectual disability and myopathy syndrome. Last evaluated: 2021-10-28. Review status: criteria provided, single submitter. Criteria: ACMG Guidelines, 2015. Collection method: clinical testing. Allele origin: unknown.

GeneDx
Classification: Uncertain significance. Last evaluated: 2019-04-11. Review status: criteria provided, single submitter. Criteria: GeneDx Variant Classification Process June 2021. Collection method: clinical testing. Allele origin: germline. Affected: yes.
Comment: Has not been reported in association with cardiac disease to our knowledge, although it has been reported in a cohort that was not selected for cardiomyopathy, arrhythmia, or family history of sudden cardiac death who underwent exome sequencing (Ng et al., 2013); Reported in ClinVar as a variant of uncertain significance (ClinVar Variant ID# 191584; Landrum et al., 2016); In silico analysis, which includes protein predictors and evolutionary conservation, supports that this variant does not alter protein structure/function; This variant is associated with the following publications: (PMID: 23861362)

CHEO Genetics Diagnostic Laboratory, Children's Hospital of Eastern Ontario
Classification: Uncertain significance for Cardiomyopathy. Last evaluated: 2016-07-13. Review status: criteria provided, single submitter. Criteria: ACMG Guidelines, 2015. Collection method: clinical testing. Allele origin: germline. Study: Canadian Open Genetics Repository.

Biesecker Lab/Clinical Genomics Section, National Institutes of Health
Classification: Uncertain significance. Last evaluated: 2013-06-24. Review status: criteria provided, single submitter. Criteria: Ng et al. (Circ Cardiovasc Genet. 2013). Collection method: research. Allele origin: unknown. Observed: 1 variant allele. Study: ClinSeq.
Comment: The study set was not selected for affection status in relation to any cancer. Pathogenicity categories were based on literature curation. See Pubmed ID:23861362 for details.

Medical sequencing

Literature cited by the submitters: PubMed 25979592 (cited by Labcorp Genetics (formerly Invitae), Labcorp).